The following is an entry in ClinVar:

NM_005744.5(ARIH1):c.220C>G (p.Leu74Val)

Gene: ARIH1 (ariadne RBR E3 ubiquitin protein ligase 1; plus strand). Cytogenetic location: 15q24.1.
Variant type: single nucleotide variant.
Coding change: c.220C>G on transcript NM_005744.5 (MANE Select); coding-DNA position 220, C replaced by G.
Protein change: p.Leu74Val; replaces leucine 74 with valine.
Molecular consequence: missense variant.
Genome position (GRCh38, 1-based): chr15:72,474,859, C>G. VCF-style: chr15-72474859-C-G. GRCh37 (hg19) VCF-style: chr15-72767200-C-G.
Other names: short protein forms L74V.
Identifiers: ClinVar variation 4772907 (VCV004772907.1).

ClinVar aggregate classification (germline): Uncertain significance (1 of 4 stars; one submission).

Submission:

Labcorp Genetics (formerly Invitae), Labcorp
Classification: Uncertain significance. Last evaluated: 2025-07-06. Review status: criteria provided, single submitter. Criteria: Invitae Variant Classification Sherloc (09022015). Collection method: clinical testing. Allele origin: germline.
Comment: This sequence change replaces leucine, which is neutral and non-polar, with valine, which is neutral and non-polar, at codon 74 of the ARIH1 protein (p.Leu74Val). This variant is not present in population databases (gnomAD no frequency). This variant has not been reported in the literature in individuals affected with ARIH1-related conditions. Experimental studies and prediction algorithms are not available or were not evaluated, and the functional significance of this variant is currently unknown. In summary, the available evidence is currently insufficient to determine the role of this variant in disease. Therefore, it has been classified as a Variant of Uncertain Significance.